The following is an entry in ClinVar:

ClinVar aggregate classification (germline): Uncertain significance (1 of 4 stars; one submission).

Submission:

Labcorp Genetics (formerly Invitae), Labcorp
Classification: Uncertain significance. Last evaluated: 2025-09-04. Review status: criteria provided, single submitter. Criteria: Invitae Variant Classification Sherloc (09022015). Collection method: clinical testing. Allele origin: germline.
Comment: This sequence change replaces alanine, which is neutral and non-polar, with valine, which is neutral and non-polar, at codon 2329 of the FLNB protein (p.Ala2329Val). This variant is not present in population databases (gnomAD no frequency). This variant has not been reported in the literature in individuals affected with FLNB-related conditions. Invitae Evidence Modeling of protein sequence and biophysical properties (such as structural, functional, and spatial information, amino acid conservation, physicochemical variation, residue mobility, and thermodynamic stability) indicates that this missense variant is not expected to disrupt FLNB protein function with a negative predictive value of 95%. In summary, the available evidence is currently insufficient to determine the role of this variant in disease. Therefore, it has been classified as a Variant of Uncertain Significance.

NM_001457.4(FLNB):c.6986C>T (p.Ala2329Val)

Gene: FLNB (filamin B; plus strand). Cytogenetic location: 3p14.3.
Variant type: single nucleotide variant.
Coding change: c.6986C>T on transcript NM_001457.4 (MANE Select); coding-DNA position 6986, C replaced by T.
Protein change: p.Ala2329Val; replaces alanine 2329 with valine.
Molecular consequence: missense variant.
Genome position (GRCh38, 1-based): chr3:58,159,651, C>T. VCF-style: chr3-58159651-C-T. GRCh37 (hg19) VCF-style: chr3-58145378-C-T.
Other names: c.7079C>T, p.Ala2360Val (NM_001164317.2); c.6953C>T, p.Ala2318Val (NM_001164318.2); c.6914C>T, p.Ala2305Val (NM_001164319.2); short protein forms A2305V, A2318V, A2329V, A2360V.
Identifiers: ClinVar variation 4801977 (VCV004801977.1).
Genomic context (GRCh38, chr3:58,159,651, plus strand): 5'-CTATAAGGTTGAATGGCGCAAAAGGCAAGATTGATGCAAAGGTGCACAGCCCCTCTGGAG[C>T]CGTGGAGGAGTGCCACGTGTCTGAGCTGGAGCCAGGTGAGCAGGAGGCCTGCTGGGGGGT-3'
Protein context (NP_001448.2, residues 2319-2339): IDAKVHSPSG[Ala2329Val]VEECHVSELE